The following is an entry in ClinVar:

NM_032043.3(BRIP1):c.1354A>G (p.Asn452Asp)

Gene: BRIP1 (BRCA1 interacting DNA helicase 1; minus strand). Cytogenetic location: 17q23.2.
Variant type: single nucleotide variant.
Coding change: c.1354A>G on transcript NM_032043.3 (MANE Select); coding-DNA position 1354, A replaced by G.
Protein change: p.Asn452Asp; replaces asparagine 452 with aspartic acid.
Molecular consequence: missense variant.
Genome position (GRCh38, 1-based): chr17:61,793,716, T>C on the plus strand (A>G on the coding strand, the complement: BRIP1 is on the minus strand). VCF-style: chr17-61793716-T-C. GRCh37 (hg19) VCF-style: chr17-59871077-T-C.
Other names: short protein forms N452D.
Identifiers: ClinVar variation 835550 (VCV000835550.10), dbSNP rs2077857017, ClinGen allele CA400482302.

ClinVar aggregate classification (germline): Uncertain significance (1 of 4 stars; one submission).

Conditions:
Familial cancer of breast. Also called: BREAST CANCER, FAMILIAL; hereditary breast carcinoma; Hereditary breast cancer. Identifiers: Orphanet 227535, MedGen C0346153, MONDO:0016419, OMIM 114480. Disease mechanism: loss of function.
Fanconi anemia complementation group J. Also called: BRIP1-Related Fanconi Anemia. Identifiers: Orphanet 84, MedGen C1836860, MONDO:0012187, OMIM 609054.

Submission:

Labcorp Genetics (formerly Invitae), Labcorp
Classification: Uncertain significance for Familial cancer of breast; Fanconi anemia complementation group J. Last evaluated: 2019-02-09. Review status: criteria provided, single submitter. Criteria: Invitae Variant Classification Sherloc (09022015). Collection method: clinical testing. Allele origin: germline.
Comment: This variant is not present in population databases (ExAC no frequency). In summary, the available evidence is currently insufficient to determine the role of this variant in disease. Therefore, it has been classified as a Variant of Uncertain Significance. Algorithms developed to predict the effect of missense changes on protein structure and function (SIFT, PolyPhen-2, Align-GVGD) all suggest that this variant is likely to be tolerated, but these predictions have not been confirmed by published functional studies and their clinical significance is uncertain. This variant has not been reported in the literature in individuals with BRIP1-related conditions. This sequence change replaces asparagine with aspartic acid at codon 452 of the BRIP1 protein (p.Asn452Asp). The asparagine residue is weakly conserved and there is a small physicochemical difference between asparagine and aspartic acid.